The following is an entry in ClinVar:

ClinVar aggregate classification (germline): Likely benign (1 of 4 stars; one submission).

Allele frequency attached by ClinVar (database versions not stated): ExAC 0.00007; ESP Exome Variant Server 0.00008.
gnomAD v4.1: 112 of 1,613,868 alleles (0.0069%); highest among the groups gnomAD compares: Middle Eastern, 0.18%; 1 homozygote.

Submission:

CeGaT Center for Human Genetics Tuebingen
Classification: Likely benign. Last evaluated: 2023-04-01. Review status: criteria provided, single submitter. Criteria: CeGaT Center For Human Genetics Tuebingen Variant Classification Criteria Version 2. Collection method: clinical testing. Allele origin: germline. Affected: yes. Observed: 1 variant allele.
Comment: DRC3: BP4, BP7

NM_031294.4(DRC3):c.21G>T (p.Ser7=)

Gene: DRC3 (dynein regulatory complex subunit 3; plus strand). Cytogenetic location: 17p11.2.
Variant type: single nucleotide variant.
Coding change: c.21G>T on transcript NM_031294.4 (MANE Select); coding-DNA position 21, G replaced by T.
Protein change: p.Ser7=; no amino-acid change (serine 7 retained).
Molecular consequence: synonymous variant.
Genome position (GRCh38, 1-based): chr17:17,977,619, G>T. VCF-style: chr17-17977619-G-T. GRCh37 (hg19) VCF-style: chr17-17880933-G-T.
Other names: c.21G>T, p.Ser7= (NM_001130090.1, NM_001130091.2, NM_001130092.2).
Identifiers: ClinVar variation 2647534 (VCV002647534.24), dbSNP rs367593570, ClinGen allele CA8421139.
Genomic context (GRCh38, chr17:17,977,619, plus strand): 5'-AGGAAGAATGCGGTGTTTTTTAGGGAAAACGTGGGGGAAGATGAACCAGCCGTGCAACTC[G>T]ATGGAGCCGAGGGTGATGGACGATGACATGCTCAAGCTGGCCGTCGGGGACCAGGGCCCC-3'
Protein context (NP_112584.3, residues 1-17): MNQPCN[Ser7=]MEPRVMDDDM